The following is an entry in ClinVar:

ClinVar aggregate classification (germline): Uncertain significance (1 of 4 stars; one submission).

Conditions:
Neurofibromatosis, type 1 (NF1). Also called: Neurofibromatosis, type I; VON RECKLINGHAUSEN DISEASE; NEUROFIBROMATOSIS, TYPE I, SOMATIC; Peripheral type neurofibromatosis. Identifiers: Orphanet 636, MedGen C0027831, MONDO:0018975, OMIM 162200. Disease mechanism: loss of function.

Submission:

Labcorp Genetics (formerly Invitae), Labcorp
Classification: Uncertain significance for Neurofibromatosis, type 1. Last evaluated: 2023-03-20. Review status: criteria provided, single submitter. Criteria: Invitae Variant Classification Sherloc (09022015). Collection method: clinical testing. Allele origin: germline.
Comment: This sequence change creates a premature translational stop signal (p.Phe2809Serfs*2) in the NF1 gene. While this is not anticipated to result in nonsense mediated decay, it is expected to disrupt the last 10 amino acid(s) of the NF1 protein. This variant is not present in population databases (gnomAD no frequency). This variant has not been reported in the literature in individuals affected with NF1-related conditions. In summary, the available evidence is currently insufficient to determine the role of this variant in disease. Therefore, it has been classified as a Variant of Uncertain Significance.

NM_001042492.3(NF1):c.8489_8493del (p.Phe2830fs)

Gene: NF1 (neurofibromin 1; plus strand). Cytogenetic location: 17q11.2.
Variant type: Deletion.
Coding change: c.8489_8493del on transcript NM_001042492.3 (MANE Select); coding-DNA positions 8489 to 8493, 5 bases deleted (TCAAA; older notation c.8489_8493delTCAAA).
Protein change: p.Phe2830fs; shifts the reading frame from phenylalanine 2830.
Molecular consequence: frameshift variant.
Genome position (GRCh38, 1-based): chr17:31,374,124-31,374,128, TCAAA deleted. VCF-style (leftmost placement, unchanged base first): chr17-31374123-TTCAAA-T. GRCh37 (hg19) VCF-style: chr17-29701141-TTCAAA-T.
Other names: c.8426_8430delTCAAA, p.Phe2809Serfs (NM_000267.4); short protein forms F2809fs, F2830fs.
Identifiers: ClinVar variation 2847626 (VCV002847626.3), dbSNP rs2508877980, ClinGen allele CA2739267443.